The following is an entry in ClinVar:

NM_000256.3(MYBPC3):c.754T>C (p.Phe252Leu)

Gene: MYBPC3 (myosin binding protein C3; minus strand). Cytogenetic location: 11p11.2.
Variant type: single nucleotide variant.
Coding change: c.754T>C on transcript NM_000256.3 (MANE Select); coding-DNA position 754, T replaced by C.
Protein change: p.Phe252Leu; replaces phenylalanine 252 with leucine.
Molecular consequence: missense variant.
Genome position (GRCh38, 1-based): chr11:47,348,442, A>G on the plus strand (T>C on the coding strand, the complement: MYBPC3 is on the minus strand). VCF-style: chr11-47348442-A-G. GRCh37 (hg19) VCF-style: chr11-47369993-A-G.
Other names: c.754T>C, p.Phe252Leu (LRG_386t1); short protein forms F252L.
Identifiers: ClinVar variation 626782 (VCV000626782.11), dbSNP rs1565630281, ClinGen allele CA380334320.

ClinVar aggregate classification (germline): Uncertain significance. Review status: criteria provided, multiple submitters, no conflicts (2 of 4 stars). 4 submissions from 4 submitters: Uncertain significance (4). Last evaluated 2025-04-08.

Conditions:
Cardiovascular phenotype. Identifiers: MedGen CN230736.
Cardiomyopathy (CMYO). Also called: Cardiomyopathies. Identifiers: Orphanet 167848, MedGen C0878544, MONDO:0004994, HP:0001638. Inheritance: Various modes of inheritance.
Hypertrophic cardiomyopathy. Also called: HYPERTROPHIC MYOCARDIOPATHY. Identifiers: Orphanet 217569, MedGen C0007194, MeSH D002312, MONDO:0005045, HP:0001639.

Submissions (4):

Molecular Diagnostic Laboratory for Inherited Cardiovascular Disease, Montreal Heart Institute
Classification: Uncertain significance for Cardiovascular phenotype. Last evaluated: 2025-04-08. Review status: criteria provided, single submitter. Criteria: ACMG Guidelines, 2015. Collection method: clinical testing. Allele origin: germline. Affected: yes.

Labcorp Genetics (formerly Invitae), Labcorp
Classification: Uncertain significance for Hypertrophic cardiomyopathy. Last evaluated: 2024-09-08. Review status: criteria provided, single submitter. Criteria: Invitae Variant Classification Sherloc (09022015). Collection method: clinical testing. Allele origin: germline.
Comment: This sequence change replaces phenylalanine, which is neutral and non-polar, with leucine, which is neutral and non-polar, at codon 252 of the MYBPC3 protein (p.Phe252Leu). This variant is not present in population databases (gnomAD no frequency). This missense change has been observed in individuals with hypertrophic cardiomyopathy (PMID: 33782553; internal data). ClinVar contains an entry for this variant (Variation ID: 626782). An algorithm developed to predict the effect of missense changes on protein structure and function (PolyPhen-2) suggests that this variant is likely to be disruptive. In summary, the available evidence is currently insufficient to determine the role of this variant in disease. Therefore, it has been classified as a Variant of Uncertain Significance.

Color Diagnostics, LLC DBA Color Health
Classification: Uncertain significance for Cardiomyopathy. Last evaluated: 2022-03-24. Review status: criteria provided, single submitter. Criteria: ACMG Guidelines, 2015. Collection method: clinical testing. Allele origin: germline.
Comment: This missense variant replaces phenylalanine with leucine at codon 252 of the MYBPC3 protein. Computational prediction is inconclusive regarding the impact of this variant on protein structure and function (internally defined REVEL score threshold 0.5 < inconclusive < 0.7, PMID: 27666373). To our knowledge, functional studies have not been reported for this variant. This variant has not been reported in individuals affected with cardiovascular disorders in the literature. This variant has not been identified in the general population by the Genome Aggregation Database (gnomAD). The available evidence is insufficient to determine the role of this variant in disease conclusively. Therefore, this variant is classified as a Variant of Uncertain Significance.

CHEO Genetics Diagnostic Laboratory, Children's Hospital of Eastern Ontario
Classification: Uncertain significance for Cardiomyopathy. Last evaluated: 2017-09-18. Review status: criteria provided, single submitter. Criteria: ACMG Guidelines, 2015. Collection method: clinical testing. Allele origin: germline. Study: Canadian Open Genetics Repository.

Literature cited by the submitters: PubMed 33782553 (cited by Labcorp Genetics (formerly Invitae), Labcorp).